The following is an entry in ClinVar:

NM_006379.5(SEMA3C):c.448-9A>G

Gene: SEMA3C (semaphorin 3C; minus strand). Cytogenetic location: 7q21.11.
Variant type: single nucleotide variant.
Coding change: c.448-9A>G on transcript NM_006379.5 (MANE Select); 9 bases into the intron before coding-DNA position 448, A replaced by G.
Molecular consequence: intron variant.
Genome position (GRCh38, 1-based): chr7:80,810,710, T>C on the plus strand (A>G on the coding strand, the complement: SEMA3C is on the minus strand). VCF-style: chr7-80810710-T-C. GRCh37 (hg19) VCF-style: chr7-80440026-T-C.
Other names: c.502-9A>G (NM_001350120.2); c.274-9A>G (NM_001350121.2).
Identifiers: ClinVar variation 3349507 (VCV003349507.1).

ClinVar aggregate classification (germline): Likely benign (0 of 4 stars; one submission).

Conditions:
SEMA3C-related disorder. Also called: SEMA3C-related condition.

gnomAD v4.1: 35 of 1,602,336 alleles (0.0022%); highest among the groups gnomAD compares: South Asian, 0.035%; 1 homozygote.

Submission:

PreventionGenetics, part of Exact Sciences
Classification: Likely benign for SEMA3C-related condition. Last evaluated: 2024-02-07. Review status: no assertion criteria provided. Collection method: clinical testing. Allele origin: germline.
Comment: This variant is classified as likely benign based on ACMG/AMP sequence variant interpretation guidelines (Richards et al. 2015 PMID: 25741868, with internal and published modifications).